The following is an entry in ClinVar:

NM_001353345.2(SETD1B):c.3202G>T (p.Glu1068Ter)

Gene: SETD1B (SET domain containing 1B, histone lysine methyltransferase; plus strand). Cytogenetic location: 12q24.31.
Variant type: single nucleotide variant.
Coding change: c.3202G>T on transcript NM_001353345.2 (MANE Select); coding-DNA position 3202, G replaced by T.
Protein change: p.Glu1068Ter; replaces glutamic acid 1068 with a stop codon.
Molecular consequence: nonsense.
Genome position (GRCh38, 1-based): chr12:121,817,594, G>T. VCF-style: chr12-121817594-G-T. GRCh37 (hg19) VCF-style: chr12-122255500-G-T.
Other names: short protein forms E1068*.
Identifiers: ClinVar variation 4886074 (VCV004886074.2).

ClinVar aggregate classification (germline): Likely pathogenic (1 of 4 stars; one submission).

Submission:

Dasa
Classification: Likely pathogenic. Last evaluated: 2025-05-21. Review status: criteria provided, single submitter. Criteria: DASA Assertion Criteria. Collection method: clinical testing. Allele origin: germline.
Comment: NM_001353345.2(SETD1B):c.3202G>T (p.Glu1068*) is a nonsense variant in SETD1B predicted to introduce a premature termination codon and is predicted to result in an absent or altered protein product. Loss of function is an established disease mechanism for SETD1B (PMID: 34345025; PMID: 32546566; PMID: 31110234). Also, this variant is absent from population databases. Based on the currently available evidence, this variant is classified as likely pathogenic.

Literature cited by the submitters: PubMed 34345025; PubMed 32546566; PubMed 31110234.